The following is an entry in ClinVar:

NM_177438.3(DICER1):c.4206+2del

Gene: DICER1 (dicer 1, ribonuclease III; minus strand). Cytogenetic location: 14q32.13.
Variant type: Deletion.
Coding change: c.4206+2del on transcript NM_177438.3 (MANE Select); the canonical splice donor site of the intron after coding-DNA position 4206, one base deleted (T; older notation c.4206+2delT).
Molecular consequence: splice donor variant.
Genome position (GRCh38, 1-based): chr14:95,099,778, A deleted on the plus strand (T on the coding strand, the reverse complement: DICER1 is on the minus strand). VCF-style (leftmost placement, unchanged base first): chr14-95099777-TA-T. GRCh37 (hg19) VCF-style: chr14-95566114-TA-T.
Other names: c.4206+2del (NM_001395679.1, NM_001395682.1, NM_001271282.3 and 12 more transcripts); c.3801+2del (NM_001395696.1, NM_001395690.1, NM_001395687.1 and 2 more transcripts); c.3924+2del (NM_001395686.1); c.3639+2del (NM_001395691.1); c.2523+2del (NM_001395697.1).
Identifiers: ClinVar variation 1468931 (VCV001468931.9), dbSNP rs2139900517, ClinGen allele CA2573150316.

ClinVar aggregate classification (germline): Likely pathogenic (1 of 4 stars; one submission).

Conditions:
DICER1-related tumor predisposition. Also called: DICER1-related pleuropulmonary blastoma cancer predisposition syndrome; DICER1 syndrome. Identifiers: Orphanet 284343, MedGen C3839822, MONDO:0100216.

Submission:

Labcorp Genetics (formerly Invitae), Labcorp
Classification: Likely pathogenic for DICER1-related tumor predisposition. Last evaluated: 2021-04-23. Review status: criteria provided, single submitter. Criteria: Invitae Variant Classification Sherloc (09022015). Collection method: clinical testing. Allele origin: germline.
Comment: In summary, the currently available evidence indicates that the variant is pathogenic, but additional data are needed to prove that conclusively. Therefore, this variant has been classified as Likely Pathogenic. Algorithms developed to predict the effect of sequence changes on RNA splicing suggest that this variant may disrupt the consensus splice site, but this prediction has not been confirmed by published transcriptional studies. Disruption of this splice site has been observed in individual(s) with endometrial cancer (PMID: 30672147). This variant is not present in population databases (ExAC no frequency). This sequence change affects a donor splice site in intron 22 of the DICER1 gene. It is expected to disrupt RNA splicing. Variants that disrupt the donor or acceptor splice site typically lead to a loss of protein function (PMID: 16199547), and loss-of-function variants in DICER1 are known to be pathogenic (PMID: 19556464, 21266384).

Literature cited by the submitters: PubMed 30672147; PubMed 16199547; PubMed 19556464; PubMed 21266384.